The following is an entry in ClinVar:

ClinVar aggregate classification (germline): Uncertain significance (1 of 4 stars; one submission).

Conditions:
Inborn genetic diseases. Identifiers: MedGen C0950123, MeSH D030342.

Allele frequency attached by ClinVar (database versions not stated): gnomAD exomes below 0.00001.
gnomAD v4.1: 3 of 1,613,138 alleles (0.00019%); highest among the groups gnomAD compares: Non-Finnish European, 0.00017%; no homozygotes.

Submission:

Ambry Genetics
Classification: Uncertain significance for Inborn genetic diseases. Last evaluated: 2024-01-08. Review status: criteria provided, single submitter. Criteria: Ambry Variant Classification Scheme 2023. Collection method: clinical testing. Allele origin: germline.
Comment: The p.D2214V variant (also known as c.6641A>T), located in coding exon 39 of the ATR gene, results from an A to T substitution at nucleotide position 6641. The aspartic acid at codon 2214 is replaced by valine, an amino acid with highly dissimilar properties. This amino acid position is conserved. In addition, the in silico prediction for this alteration is inconclusive. Since supporting evidence is limited at this time, the clinical significance of this alteration remains unclear.

NM_001184.4(ATR):c.6641A>T (p.Asp2214Val)

Gene: ATR (ATR checkpoint kinase; minus strand). Cytogenetic location: 3q23.
Variant type: single nucleotide variant.
Coding change: c.6641A>T on transcript NM_001184.4 (MANE Select); coding-DNA position 6641, A replaced by T.
Protein change: p.Asp2214Val; replaces aspartic acid 2214 with valine.
Molecular consequence: missense variant.
Genome position (GRCh38, 1-based): chr3:142,467,980, T>A on the plus strand (A>T on the coding strand, the complement: ATR is on the minus strand). VCF-style: chr3-142467980-T-A. GRCh37 (hg19) VCF-style: chr3-142186822-T-A.
Other names: c.6449A>T, p.Asp2150Val (NM_001354579.2); short protein forms D2150V, D2214V.
Identifiers: ClinVar variation 3221259 (VCV003221259.1), dbSNP rs2473064831, ClinGen allele CA354803458.